The following is an entry in ClinVar:

NC_012920.1(MT-CYB):m.15236A>G

Gene: MT-CYB (mitochondrially encoded cytochrome b; plus strand).
Variant type: single nucleotide variant.
Genome position: chrM-15236-A-G.
Identifiers: ClinVar variation 693849 (VCV000693849.1), dbSNP rs386829239, ClinGen allele CA337100332.

ClinVar aggregate classification (germline): Benign (1 of 4 stars; one submission).

Conditions:
Leigh syndrome (NULS). Also called: Leigh's necrotizing encephalopathy; Leigh's disease; Leigh's syndrome; LEIGH SYNDROME, NUCLEAR; Leigh Syndrome (mtDNA deletion); Leigh Disease. Identifiers: Orphanet 506, MedGen C2931891, MONDO:0009723, OMIM 256000.

Submission:

Wong Mito Lab, Molecular and Human Genetics, Baylor College of Medicine
Classification: Benign for Leigh syndrome. Last evaluated: 2019-10-17. Review status: criteria provided, single submitter. Criteria: Modified ACMG Guidelines (Unpublished). Collection method: clinical testing. Allele origin: germline.
Comment: The NC_012920.1:m.15236A>G (YP_003024038.1:p.Ile164Val) variant in MTCYB gene is interpretated to be a Benign variant based on the modified ACMG guidelines (unpublished). This variant meets the following evidence codes: BA1